The following is an entry in ClinVar:

NM_012181.5(FKBP8):c.201G>A (p.Glu67=)

Gene: FKBP8 (FKBP prolyl isomerase 8; minus strand). Cytogenetic location: 19p13.11.
Variant type: single nucleotide variant.
Coding change: c.201G>A on transcript NM_012181.5 (MANE Select); coding-DNA position 201, G replaced by A.
Protein change: p.Glu67=; no amino-acid change (glutamic acid 67 retained).
Molecular consequence: synonymous variant.
Genome position (GRCh38, 1-based): chr19:18,541,770, C>T on the plus strand (G>A on the coding strand, the complement: FKBP8 is on the minus strand). VCF-style: chr19-18541770-C-T. GRCh37 (hg19) VCF-style: chr19-18652580-C-T.
Other names: c.201G>A, p.Glu67= (NM_001308373.2).
Identifiers: ClinVar variation 2649582 (VCV002649582.24), dbSNP rs61742106, ClinGen allele CA9313346.
Genomic context (GRCh38, chr19:18,541,770, plus strand): 5'-GGCTGGGGCGGGCTCGGGCTCCATGGCAGCAAGGAACTCTCGGGCCAGGGCCCCAGGCTG[C>T]TCAGCCTCCTCCGCCGGGGGTTGTCCCATGTCCTCCAGCGGTGGCAGCTCACTCAGGTCA-3'
Protein context (NP_036313.3, residues 57-77): DMGQPPAEEA[Glu67=]QPGALAREFL

ClinVar aggregate classification (germline): Likely benign (1 of 4 stars; one submission).

Allele frequency attached by ClinVar (database versions not stated): 1000 Genomes Project 30x 0.00265; 1000 Genomes Project 0.00280; TOPMed 0.00478; ExAC 0.00515; gnomAD 0.00544; ESP Exome Variant Server 0.00661; gnomAD exomes 0.00807.
gnomAD v4.1: 12,538 of 1,614,040 alleles (0.78%); highest among the groups gnomAD compares: Non-Finnish European, 0.93%; 60 homozygotes.

Submission:

CeGaT Center for Human Genetics Tuebingen
Classification: Likely benign. Last evaluated: 2022-06-01. Review status: criteria provided, single submitter. Criteria: CeGaT Center For Human Genetics Tuebingen Variant Classification Criteria Version 2. Collection method: clinical testing. Allele origin: germline. Affected: yes. Observed: 1 variant allele.
Comment: FKBP8: BP4, BP7